The following is an entry in ClinVar:

NM_001113378.2(FANCI):c.2858dup (p.Arg954fs)

Gene: FANCI (FA complementation group I; plus strand). Cytogenetic location: 15q26.1.
Variant type: Duplication.
Coding change: c.2858dup on transcript NM_001113378.2 (MANE Select); coding-DNA position 2858, one base duplicated (A; older notation c.2858dupA).
Protein change: p.Arg954fs; shifts the reading frame from arginine 954.
Molecular consequence: frameshift variant.
Genome position (GRCh38, 1-based): chr15:89,300,354, A duplicated. VCF-style (leftmost placement, unchanged base first): chr15-89300353-C-CA. GRCh37 (hg19) VCF-style: chr15-89843584-C-CA.
Other names: c.2579dup, p.Arg861fs (NM_001376910.1); c.2858dup, p.Arg954fs (NM_001376911.1); c.2678dup, p.Arg894fs (NM_018193.3); short protein forms R894fs, R954fs, R861fs.
Identifiers: ClinVar variation 1378855 (VCV001378855.9), dbSNP rs2054482551, ClinGen allele CA2194541133.

ClinVar aggregate classification (germline): Pathogenic/Likely pathogenic. Review status: criteria provided, multiple submitters, no conflicts (2 of 4 stars). 3 submissions from 3 submitters: Pathogenic (1); Likely pathogenic (2). Last evaluated 2024-05-12.

Conditions:
Fanconi anemia (FA). Also called: Fanconi's anemia. Identifiers: Orphanet 84, MedGen C0015625, MeSH D005199, MONDO:0019391.
Fanconi anemia complementation group I (FANCI). Also called: FANCI-Related Fanconi Anemia. Identifiers: Orphanet 84, MedGen C1836861, MONDO:0012186, OMIM 609053.

Allele frequency attached by ClinVar (database versions not stated): gnomAD exomes 0.00001; TOPMed 0.00001.

Submissions (3):

Labcorp Genetics (formerly Invitae), Labcorp
Classification: Pathogenic for Fanconi anemia. Last evaluated: 2024-05-12. Review status: criteria provided, single submitter. Criteria: Invitae Variant Classification Sherloc (09022015). Collection method: clinical testing. Allele origin: germline.
Comment: This sequence change creates a premature translational stop signal (p.Arg954Glufs*18) in the FANCI gene. It is expected to result in an absent or disrupted protein product. Loss-of-function variants in FANCI are known to be pathogenic (PMID: 17452773, 17460694). This variant is not present in population databases (gnomAD no frequency). This variant has not been reported in the literature in individuals affected with FANCI-related conditions. ClinVar contains an entry for this variant (Variation ID: 1378855). For these reasons, this variant has been classified as Pathogenic.

Baylor Genetics
Classification: Likely pathogenic for Fanconi anemia complementation group I. Last evaluated: 2024-03-25. Review status: criteria provided, single submitter. Criteria: ACMG Guidelines, 2015. Collection method: clinical testing. Allele origin: unknown.

Fulgent Genetics
Classification: Likely pathogenic for Fanconi anemia complementation group I. Last evaluated: 2022-05-03. Review status: criteria provided, single submitter. Criteria: ACMG Guidelines, 2015. Collection method: clinical testing. Allele origin: unknown.

Literature cited by the submitters: PubMed 17452773 (cited by Labcorp Genetics (formerly Invitae), Labcorp); PubMed 17460694 (cited by Labcorp Genetics (formerly Invitae), Labcorp).